The following is an entry in ClinVar:

ClinVar aggregate classification (germline): Uncertain significance (1 of 4 stars; one submission).

Allele frequency attached by ClinVar (database versions not stated): gnomAD exomes 0.00001.

Submission:

Labcorp Genetics (formerly Invitae), Labcorp
Classification: Uncertain significance. Last evaluated: 2023-07-28. Review status: criteria provided, single submitter. Criteria: Invitae Variant Classification Sherloc (09022015). Collection method: clinical testing. Allele origin: germline.
Comment: This sequence change replaces asparagine, which is neutral and polar, with serine, which is neutral and polar, at codon 433 of the FOXC2 protein (p.Asn433Ser). In summary, the available evidence is currently insufficient to determine the role of this variant in disease. Therefore, it has been classified as a Variant of Uncertain Significance. Algorithms developed to predict the effect of missense changes on protein structure and function output the following: SIFT: "Not Available"; PolyPhen-2: "Benign"; Align-GVGD: "Not Available". The serine amino acid residue is found in multiple mammalian species, which suggests that this missense change does not adversely affect protein function. This variant has not been reported in the literature in individuals affected with FOXC2-related conditions. This variant is present in population databases (no rsID available, gnomAD 0.0009%).

NM_005251.3(FOXC2):c.1298A>G (p.Asn433Ser)

Gene: FOXC2 (forkhead box C2; plus strand). Cytogenetic location: 16q24.1.
Variant type: single nucleotide variant.
Coding change: c.1298A>G on transcript NM_005251.3 (MANE Select); coding-DNA position 1298, A replaced by G.
Protein change: p.Asn433Ser; replaces asparagine 433 with serine.
Molecular consequence: missense variant.
Genome position (GRCh38, 1-based): chr16:86,568,633, A>G. VCF-style: chr16-86568633-A-G. GRCh37 (hg19) VCF-style: chr16-86602239-A-G.
Other names: short protein forms N433S.
Identifiers: ClinVar variation 3020413 (VCV003020413.3), dbSNP rs1370781346, ClinGen allele CA397009876.
Genomic context (GRCh38, chr16:86,568,633, plus strand): 5'-AGCCCGGGGCCGCCGCGGCGCAGGCGGCCTCCTGGTATCTCAACCACAGCGGGGACCTGA[A>G]CCACCTCCCCGGCCACACGTTCGCGGCCCAGCAGCAAACTTTCCCCAACGTGCGGGAGAT-3'
Protein context (NP_005242.1, residues 423-443): SWYLNHSGDL[Asn433Ser]HLPGHTFAAQ